The following is an entry in ClinVar:

ClinVar aggregate classification (germline): Uncertain significance (0 of 4 stars; one submission).

Conditions:
PCNT-related disorder. Also called: PCNT-related condition.

Submission:

PreventionGenetics, part of Exact Sciences
Classification: Uncertain significance for PCNT-related condition. Last evaluated: 2024-05-17. Review status: no assertion criteria provided. Collection method: clinical testing. Allele origin: germline.
Comment: The PCNT c.5857C>A variant is predicted to result in the amino acid substitution p.Arg1953Ser. To our knowledge, this variant has not been reported in the literature or in a large population database, indicating this variant is rare. At this time, the clinical significance of this variant is uncertain due to the absence of conclusive functional and genetic evidence.

NM_006031.6(PCNT):c.5857C>A (p.Arg1953Ser)

Gene: PCNT (pericentrin; plus strand). Cytogenetic location: 21q22.3.
Variant type: single nucleotide variant.
Coding change: c.5857C>A on transcript NM_006031.6 (MANE Select); coding-DNA position 5857, C replaced by A.
Protein change: p.Arg1953Ser; replaces arginine 1953 with serine.
Molecular consequence: missense variant.
Genome position (GRCh38, 1-based): chr21:46,411,930, C>A. VCF-style: chr21-46411930-C-A. GRCh37 (hg19) VCF-style: chr21-47831844-C-A.
Other names: c.5503C>A, p.Arg1835Ser (NM_001315529.2); short protein forms R1835S, R1953S.
Identifiers: ClinVar variation 3346361 (VCV003346361.1).
Genomic context (GRCh38, chr21:46,411,930, plus strand): 5'-CTGCAGGTGCTGCACCAGCGGTTCCTGAGGTGCCAGGTGGAGCTGGACAGGCGGCAGGCC[C>A]GCAGAGCCACAGCTCACACACGGGTGCCCGGGGCCCACCCACAGCCTCGCATGGATGGTG-3'
Protein context (NP_006022.3, residues 1943-1963): CQVELDRRQA[Arg1953Ser]RATAHTRVPG